The following is an entry in ClinVar:

ClinVar aggregate classification (germline): Uncertain significance (1 of 4 stars; one submission).

gnomAD v4.1: 2 of 1,614,182 alleles (0.00012%); highest among the groups gnomAD compares: East Asian, 0.0022%; no homozygotes.

Submission:

Ambry Genetics
Classification: Uncertain significance. Last evaluated: 2025-08-25. Review status: criteria provided, single submitter. Criteria: Ambry Variant Classification Scheme 2023. Collection method: clinical testing. Allele origin: germline.
Comment: The p.S1044T variant (also known as c.3131G>C), located in coding exon 12 of the CDK12 gene, results from a G to C substitution at nucleotide position 3131. The serine at codon 1044 is replaced by threonine, an amino acid with similar properties. This amino acid position is conserved. In addition, the in silico prediction for this alteration is inconclusive. Based on the available evidence, the clinical significance of this variant remains unclear.

NM_016507.4(CDK12):c.3131G>C (p.Ser1044Thr)

Gene: CDK12 (cyclin dependent kinase 12; plus strand). Cytogenetic location: 17q12.
Variant type: single nucleotide variant.
Coding change: c.3131G>C on transcript NM_016507.4 (MANE Select); coding-DNA position 3131, G replaced by C.
Protein change: p.Ser1044Thr; replaces serine 1044 with threonine.
Molecular consequence: missense variant.
Genome position (GRCh38, 1-based): chr17:39,524,709, G>C. VCF-style: chr17-39524709-G-C. GRCh37 (hg19) VCF-style: chr17-37680962-G-C.
Other names: c.3131G>C, p.Ser1044Thr (NM_015083.4); short protein forms S1044T.
Identifiers: ClinVar variation 4224418 (VCV004224418.1).